The following is an entry in ClinVar:

NM_001386140.1(MTTP):c.1367T>A (p.Leu456Ter)

Gene: MTTP (microsomal triglyceride transfer protein; plus strand). Cytogenetic location: 4q23.
Variant type: single nucleotide variant.
Coding change: c.1367T>A on transcript NM_001386140.1 (MANE Select); coding-DNA position 1367, T replaced by A.
Protein change: p.Leu456Ter; replaces leucine 456 with a stop codon.
Molecular consequence: nonsense.
Genome position (GRCh38, 1-based): chr4:99,606,770, T>A. VCF-style: chr4-99606770-T-A. GRCh37 (hg19) VCF-style: chr4-100527927-T-A.
Other names: c.1367T>A, p.Leu456Ter (NM_000253.4); c.1118T>A, p.Leu373Ter (NM_001300785.2); short protein forms L373*, L456*.
Identifiers: ClinVar variation 983699 (VCV000983699.3), dbSNP rs1725826321, ClinGen allele CA357510171.

ClinVar aggregate classification (germline): Likely pathogenic (1 of 4 stars; one submission).

Conditions:
Abetalipoproteinaemia (ABL). Also called: Abetalipoproteinemia; Abetalipoproteinemia neuropathy; Apolipoprotein B deficiency; Congenital betalipoprotein deficiency syndrome; MTP DEFICIENCY. Identifiers: Orphanet 14, MedGen C0000744, MONDO:0008692, OMIM 200100, HP:0008181.

Submission:

Myriad Genetics, Inc.
Classification: Likely pathogenic for Abetalipoproteinaemia. Last evaluated: 2019-12-08. Review status: criteria provided, single submitter. Criteria: Myriad Women's Health Autosomal Recessive and X-Linked Classification Criteria (2019). Collection method: clinical testing. Allele origin: unknown.
Comment: NM_000253.2(MTTP):c.1367T>A(L456*) is expected to be pathogenic in the context of abetalipoproteinemia. This variant is predicted to lead to an abnormal or absent protein product due to the creation of a premature termination codon in MTTP, a gene where loss-of-function variants are known to be pathogenic. Please note: this variant was assessed in the context of healthy population screening.